The following is an entry in ClinVar:

NM_005732.4(RAD50):c.1756G>T (p.Glu586Ter)

Gene: RAD50 (RAD50 double strand break repair protein; plus strand). Cytogenetic location: 5q31.1.
Variant type: single nucleotide variant.
Coding change: c.1756G>T on transcript NM_005732.4 (MANE Select); coding-DNA position 1756, G replaced by T.
Protein change: p.Glu586Ter; replaces glutamic acid 586 with a stop codon.
Molecular consequence: nonsense.
Genome position (GRCh38, 1-based): chr5:132,591,997, G>T. VCF-style: chr5-132591997-G-T. GRCh37 (hg19) VCF-style: chr5-131927689-G-T.
Other names: short protein forms E586*.
Identifiers: ClinVar variation 2844489 (VCV002844489.3), dbSNP rs2479643793, ClinGen allele CA360946666.

ClinVar aggregate classification (germline): Pathogenic (1 of 4 stars; one submission).

Conditions:
Hereditary cancer-predisposing syndrome. Also called: Neoplastic Syndromes, Hereditary; Hereditary Cancer Syndrome; Hereditary neoplastic syndrome; Tumor predisposition. Identifiers: Orphanet 140162, MedGen C0027672, MeSH D009386, MONDO:0015356.

Submission:

Labcorp Genetics (formerly Invitae), Labcorp
Classification: Pathogenic for Hereditary cancer-predisposing syndrome. Last evaluated: 2023-06-20. Review status: criteria provided, single submitter. Criteria: Invitae Variant Classification Sherloc (09022015). Collection method: clinical testing. Allele origin: germline.
Comment: This variant is not present in population databases (gnomAD no frequency). For these reasons, this variant has been classified as Pathogenic. This variant has not been reported in the literature in individuals affected with RAD50-related conditions. This sequence change creates a premature translational stop signal (p.Glu586*) in the RAD50 gene. It is expected to result in an absent or disrupted protein product. Loss-of-function variants in RAD50 are known to be pathogenic (PMID: 19409520).

Literature cited by the submitters: PubMed 19409520.